The following is an entry in ClinVar:

ClinVar aggregate classification (germline): Uncertain significance (1 of 4 stars; one submission).

Allele frequency attached by ClinVar (database versions not stated): gnomAD exomes below 0.00001; TOPMed below 0.00001; gnomAD 0.00001.
gnomAD v4.1: 2 of 1,602,318 alleles (0.00012%); highest among the groups gnomAD compares: African/African-American, 0.0027%; no homozygotes.

Submission:

Labcorp Genetics (formerly Invitae), Labcorp
Classification: Uncertain significance. Last evaluated: 2020-12-03. Review status: criteria provided, single submitter. Criteria: Invitae Variant Classification Sherloc (09022015). Collection method: clinical testing. Allele origin: germline.
Comment: This sequence change replaces threonine with alanine at codon 884 of the PCLO protein (p.Thr884Ala). The threonine residue is weakly conserved and there is a small physicochemical difference between threonine and alanine. This variant is not present in population databases (ExAC no frequency). This variant has not been reported in the literature in individuals with PCLO-related conditions. Algorithms developed to predict the effect of missense changes on protein structure and function output the following: SIFT: "Tolerated"; PolyPhen-2: "Not Available"; Align-GVGD: "Class C0". The alanine amino acid residue is found in multiple mammalian species, suggesting that this missense change does not adversely affect protein function. These predictions have not been confirmed by published functional studies and their clinical significance is uncertain. In summary, the available evidence is currently insufficient to determine the role of this variant in disease. Therefore, it has been classified as a Variant of Uncertain Significance.

NM_033026.6(PCLO):c.2650A>G (p.Thr884Ala)

Gene: PCLO (piccolo presynaptic cytomatrix protein; minus strand). Cytogenetic location: 7q21.11.
Variant type: single nucleotide variant.
Coding change: c.2650A>G on transcript NM_033026.6 (MANE Select); coding-DNA position 2650, A replaced by G.
Protein change: p.Thr884Ala; replaces threonine 884 with alanine.
Molecular consequence: missense variant.
Genome position (GRCh38, 1-based): chr7:83,134,900, T>C on the plus strand (A>G on the coding strand, the complement: PCLO is on the minus strand). VCF-style: chr7-83134900-T-C. GRCh37 (hg19) VCF-style: chr7-82764216-T-C.
Other names: c.2650A>G, p.Thr884Ala (NM_014510.3); short protein forms T884A.
Identifiers: ClinVar variation 1490629 (VCV001490629.8), dbSNP rs1584070946, ClinGen allele CA367899343.